The following is an entry in ClinVar:

NM_001371986.1(UNC80):c.9433A>G (p.Thr3145Ala)

Gene: UNC80 (unc-80 subunit of NALCN channel complex; plus strand). Cytogenetic location: 2q34.
Variant type: single nucleotide variant.
Coding change: c.9433A>G on transcript NM_001371986.1 (MANE Select); coding-DNA position 9433, A replaced by G.
Protein change: p.Thr3145Ala; replaces threonine 3145 with alanine.
Molecular consequence: missense variant.
Genome position (GRCh38, 1-based): chr2:209,993,351, A>G. VCF-style: chr2-209993351-A-G. GRCh37 (hg19) VCF-style: chr2-210858075-A-G.
Other names: c.9235A>G, p.Thr3079Ala (NM_032504.2); c.9163A>G, p.Thr3055Ala (NM_182587.4); c.9235A>G (NM_032504.1); short protein forms T3145A, T3055A, T3079A.
Identifiers: ClinVar variation 1514570 (VCV001514570.7), dbSNP rs766554337, ClinGen allele CA2083671.
Genomic context (GRCh38, chr2:209,993,351, plus strand): 5'-TTTTATTCTGCCTATTCTCTTTAGCTAAGACGTCCTCTACTATCACGTCAGAAAACTCAG[A>G]CTGAACCCAGAAATCGCCAAGGGGCTCGGCTGTCAACCACTCGCAGGAGCATTCAACCTA-3'
Protein context (NP_001358915.1, residues 3135-3155): RPLLSRQKTQ[Thr3145Ala]EPRNRQGARL

ClinVar aggregate classification (germline): Uncertain significance. Review status: criteria provided, multiple submitters, no conflicts (2 of 4 stars). 2 submissions from 2 submitters: Uncertain significance (2). Last evaluated 2024-12-04.

Conditions:
Inborn genetic diseases. Identifiers: MedGen C0950123, MeSH D030342.

Allele frequency attached by ClinVar (database versions not stated): gnomAD exomes below 0.00001 and 0.00001; TOPMed 0.00001; gnomAD 0.00002; ExAC 0.00004.
gnomAD v4.1: 7 of 1,551,824 alleles (0.00045%); highest among the groups gnomAD compares: African/African-American, 0.0096%; no homozygotes.

Submissions (2):

Ambry Genetics
Classification: Uncertain significance for Inborn genetic diseases. Last evaluated: 2024-12-04. Review status: criteria provided, single submitter. Criteria: Ambry Variant Classification Scheme 2023. Collection method: clinical testing. Allele origin: germline.

Labcorp Genetics (formerly Invitae), Labcorp
Classification: Uncertain significance. Last evaluated: 2024-05-15. Review status: criteria provided, single submitter. Criteria: Invitae Variant Classification Sherloc (09022015). Collection method: clinical testing. Allele origin: germline.
Comment: This sequence change replaces threonine with alanine at codon 3079 of the UNC80 protein (p.Thr3079Ala). The threonine residue is weakly conserved and there is a small physicochemical difference between threonine and alanine. This variant is present in population databases (rs766554337, gnomAD 0.03%). This variant has not been reported in the literature in individuals affected with UNC80-related conditions. ClinVar contains an entry for this variant (Variation ID: 1514570). Advanced modeling of protein sequence and biophysical properties (such as structural, functional, and spatial information, amino acid conservation, physicochemical variation, residue mobility, and thermodynamic stability) performed at Invitae indicates that this missense variant is not expected to disrupt UNC80 protein function with a negative predictive value of 80%. In summary, the available evidence is currently insufficient to determine the role of this variant in disease. Therefore, it has been classified as a Variant of Uncertain Significance.